The following is an entry in ClinVar:

NM_000321.3(RB1):c.1073G>A (p.Arg358Gln)

Gene: RB1 (RB transcriptional corepressor 1; plus strand). Cytogenetic location: 13q14.2.
Variant type: single nucleotide variant.
Coding change: c.1073G>A on transcript NM_000321.3 (MANE Select); coding-DNA position 1073, G replaced by A.
Protein change: p.Arg358Gln; replaces arginine 358 with glutamine.
Molecular consequence: missense variant.
Genome position (GRCh38, 1-based): chr13:48,368,550, G>A. VCF-style: chr13-48368550-G-A. GRCh37 (hg19) VCF-style: chr13-48942686-G-A.
Other names: short protein forms R358Q.
Identifiers: ClinVar variation 410918 (VCV000410918.15), dbSNP rs767011440, ClinGen allele CA027547.

ClinVar aggregate classification (germline): Conflicting classifications of pathogenicity. Review status: criteria provided, conflicting classifications (1 of 4 stars). 5 submissions from 5 submitters: Uncertain significance (3); Benign (1); Likely benign (1). Last evaluated 2026-01-16.

Conditions:
Hereditary cancer-predisposing syndrome. Also called: Tumor predisposition; Hereditary Cancer Syndrome; Hereditary neoplastic syndrome; Neoplastic Syndromes, Hereditary. Identifiers: Orphanet 140162, MedGen C0027672, MeSH D009386, MONDO:0015356.
Retinoblastoma (RB1). Also called: RETINOBLASTOMA, SOMATIC. Identifiers: Orphanet 790, MedGen C0035335, MeSH D012175, MONDO:0008380, OMIM 180200, HP:0009919. Disease mechanism: loss of function. Inheritance: Both sporadic and heritable forms are tested..

Allele frequency attached by ClinVar (database versions not stated): gnomAD 0.00001; gnomAD exomes 0.00001; ExAC 0.00002; TOPMed 0.00003.
gnomAD v4.1: 9 of 1,613,170 alleles (0.00056%); highest among the groups gnomAD compares: African/African-American, 0.0013%; no homozygotes.

Submissions (5):

Labcorp Genetics (formerly Invitae), Labcorp
Classification: Benign for Retinoblastoma. Last evaluated: 2026-01-16. Review status: criteria provided, single submitter. Criteria: Invitae Variant Classification Sherloc (09022015). Collection method: clinical testing. Allele origin: germline.

Color Diagnostics, LLC DBA Color Health
Classification: Uncertain significance for Retinoblastoma. Last evaluated: 2025-09-23. Review status: criteria provided, single submitter. Criteria: ACMG Guidelines, 2015. Collection method: clinical testing. Allele origin: germline.
Comment: This missense variant replaces arginine with glutamine at codon 358 of the RB1 protein. Computational prediction suggests that this variant may not impact protein structure and function. To our knowledge, functional studies have not been reported for this variant. This variant has not been reported in individuals affected with RB1-related disorders in the literature. This variant has been identified in 4/282512 chromosomes in the general population by the Genome Aggregation Database (gnomAD). The available evidence is insufficient to determine the role of this variant in disease conclusively. Therefore, this variant is classified as a Variant of Uncertain Significance.

All of Us Research Program, National Institutes of Health
Classification: Uncertain significance for Retinoblastoma. Last evaluated: 2023-10-30. Review status: criteria provided, single submitter. Criteria: ACMG Guidelines, 2015. Collection method: clinical testing. Allele origin: germline. Inheritance: Autosomal dominant inheritance. Observed: 6 variant alleles, 6 heterozygotes.
Comment: This missense variant replaces arginine with glutamine at codon 358 of the RB1 protein. Computational prediction suggests that this variant may not impact protein structure and function (internally defined REVEL score threshold <= 0.5, PMID: 27666373). To our knowledge, functional studies have not been reported for this variant. This variant has not been reported in individuals affected with RB1-related disorders in the literature. This variant has been identified in 4/282512 chromosomes in the general population by the Genome Aggregation Database (gnomAD). The available evidence is insufficient to determine the role of this variant in disease conclusively. Therefore, this variant is classified as a Variant of Uncertain Significance.

This study involves interpretation of variants in research participants for the purpose of population health screening. Participant phenotype was not available at the time of variant classification. Additional details can be found in publication PMID: 35346344, PMCID: PMC8962531

Ambry Genetics
Classification: Likely benign for Hereditary cancer-predisposing syndrome. Last evaluated: 2023-10-07. Review status: criteria provided, single submitter. Criteria: Ambry Variant Classification Scheme 2023. Collection method: clinical testing. Allele origin: germline.

GeneDx
Classification: Uncertain significance. Last evaluated: 2023-01-30. Review status: criteria provided, single submitter. Criteria: GeneDx Variant Classification Process June 2021. Collection method: clinical testing. Allele origin: germline. Affected: yes.
Comment: Not observed at significant frequency in large population cohorts (gnomAD); In silico analysis supports that this missense variant does not alter protein structure/function; Has not been previously published as pathogenic or benign to our knowledge